The following is an entry in ClinVar:

NM_001365951.3(KIF1B):c.3647G>A (p.Cys1216Tyr)

Gene: KIF1B (kinesin family member 1B; plus strand). Cytogenetic location: 1p36.22.
Variant type: single nucleotide variant.
Coding change: c.3647G>A on transcript NM_001365951.3 (MANE Select); coding-DNA position 3647, G replaced by A.
Protein change: p.Cys1216Tyr; replaces cysteine 1216 with tyrosine.
Molecular consequence: missense variant.
Genome position (GRCh38, 1-based): chr1:10,343,246, G>A. VCF-style: chr1-10343246-G-A. GRCh37 (hg19) VCF-style: chr1-10403304-G-A.
Other names: c.3647G>A, p.Cys1216Tyr (NM_001365952.1); c.3509G>A, p.Cys1170Tyr (NM_015074.3); short protein forms C1216Y, C1170Y.
Identifiers: ClinVar variation 2625749 (VCV002625749.3), dbSNP rs2521760365, ClinGen allele CA338342084.

ClinVar aggregate classification (germline): Uncertain significance (1 of 4 stars; one submission).

Submission:

Ambry Genetics
Classification: Uncertain significance. Last evaluated: 2025-09-21. Review status: criteria provided, single submitter. Criteria: Ambry Variant Classification Scheme 2023. Collection method: clinical testing. Allele origin: germline.
Comment: The p.C1170Y variant (also known as c.3509G>A), located in coding exon 31 of the KIF1B gene, results from a G to A substitution at nucleotide position 3509. The cysteine at codon 1170 is replaced by tyrosine, an amino acid with highly dissimilar properties. This amino acid position is conserved. In addition, this alteration is predicted to be tolerated by in silico analysis. Since supporting evidence is limited at this time, the clinical significance of this alteration remains unclear.